The following is an entry in ClinVar:

NM_005094.4(SLC27A4):c.28del (p.Val10fs)

Gene: SLC27A4 (solute carrier family 27 member 4; plus strand). Cytogenetic location: 9q34.11.
Variant type: Deletion.
Coding change: c.28del on transcript NM_005094.4 (MANE Select); coding-DNA position 28, one base deleted (G; older notation c.28delG).
Protein change: p.Val10fs; shifts the reading frame from valine 10.
Molecular consequence: frameshift variant.
Genome position (GRCh38, 1-based): chr9:128,343,160, G deleted; the last of 5 consecutive G bases (chr9:128,343,156-128,343,160); deleting any one gives the same sequence. VCF-style (leftmost placement, unchanged base first): chr9-128343155-TG-T. GRCh37 (hg19) VCF-style: chr9-131105434-TG-T.
Other names: short protein forms V10fs.
Identifiers: ClinVar variation 2795966 (VCV002795966.3), dbSNP rs1336441841, ClinGen allele CA2691900303.
Genomic context (GRCh38, chr9:128,343,155, plus strand): 5'-GTTTGGGTCCACTAACTGCCCTGTGTCCGCAGGCCACAATGCTGCTTGGAGCCTCTCTGG[TG>T]GGGGTGCTGCTGTTCTCCAAGCTGGTGCTGAAACTGCCCTGGACCCAGGTGGGATTCTCC-3'

ClinVar aggregate classification (germline): Pathogenic (1 of 4 stars; one submission).

Submission:

Labcorp Genetics (formerly Invitae), Labcorp
Classification: Pathogenic. Last evaluated: 2023-04-12. Review status: criteria provided, single submitter. Criteria: Invitae Variant Classification Sherloc (09022015). Collection method: clinical testing. Allele origin: germline.
Comment: For these reasons, this variant has been classified as Pathogenic. This sequence change creates a premature translational stop signal (p.Val10Cysfs*9) in the SLC27A4 gene. It is expected to result in an absent or disrupted protein product. Loss-of-function variants in SLC27A4 are known to be pathogenic (PMID: 19631310, 21450060). This variant is not present in population databases (gnomAD no frequency). This variant has not been reported in the literature in individuals affected with SLC27A4-related conditions.

Literature cited by the submitters: PubMed 19631310; PubMed 21450060.